The following is an entry in ClinVar:

ClinVar aggregate classification (germline): Likely benign. Review status: criteria provided, multiple submitters, no conflicts (2 of 4 stars). 2 submissions from 2 submitters: Likely benign (2). Last evaluated 2018-06-14.

Allele frequency attached by ClinVar (database versions not stated): gnomAD exomes 0.00227; 1000 Genomes Project 0.00958; 1000 Genomes Project 30x 0.01015; gnomAD 0.01271 and 0.01372; TOPMed 0.01498.
gnomAD v4.1: 3,031 of 610,138 alleles (0.5%); highest among the groups gnomAD compares: African/African-American, 4.2%; 51 homozygotes.

Submissions (2):

GeneDx
Classification: Likely benign. Last evaluated: 2018-06-14. Review status: criteria provided, single submitter. Criteria: GeneDx Variant Classification (06012015). Collection method: clinical testing. Allele origin: germline. Affected: yes.
Comment: This variant is considered likely benign or benign based on one or more of the following criteria: it is a conservative change, it occurs at a poorly conserved position in the protein, it is predicted to be benign by multiple in silico algorithms, and/or has population frequency not consistent with disease.

Breakthrough Genomics
Classification: Likely benign. Review status: criteria provided, single submitter. Criteria: ACMG Guidelines, 2015. Collection method: not provided. Allele origin: germline. Inheritance: Autosomal dominant inheritance. Affected: yes.

NM_001330260.2(SCN8A):c.4420-119A>G

Gene: SCN8A (sodium voltage-gated channel alpha subunit 8; plus strand). Cytogenetic location: 12q13.13.
Variant type: single nucleotide variant.
Coding change: c.4420-119A>G on transcript NM_001330260.2 (MANE Select); 119 bases into the intron before coding-DNA position 4420, A replaced by G.
Molecular consequence: intron variant.
Genome position (GRCh38, 1-based): chr12:51,790,279, A>G. VCF-style: chr12-51790279-A-G. GRCh37 (hg19) VCF-style: chr12-52184063-A-G.
Other names: c.4420-119A>G (NM_014191.4); c.4297-119A>G (NM_001177984.3, NM_001369788.1).
Identifiers: ClinVar variation 677435 (VCV000677435.2), dbSNP rs12317139, ClinGen allele CA236329806.